The following is an entry in ClinVar:

ClinVar aggregate classification (germline): Conflicting classifications of pathogenicity. Review status: criteria provided, conflicting classifications (1 of 4 stars). 16 submissions from 16 submitters: Uncertain significance (7); Likely benign (8). 1 of the submissions does not count toward it. Last evaluated 2026-02-02.

Conditions:
Breast and/or ovarian cancer. Identifiers: MedGen CN221562.
Hereditary cancer-predisposing syndrome. Also called: Tumor predisposition; Hereditary Cancer Syndrome; Neoplastic Syndromes, Hereditary; Hereditary neoplastic syndrome. Identifiers: Orphanet 140162, MedGen C0027672, MeSH D009386, MONDO:0015356.
Hereditary breast ovarian cancer syndrome. Also called: Breast and ovarian cancer; Hereditary breast and/or ovarian cancer syndrome; Hereditary breast and ovarian cancer syndrome (HBOC); BRCA1- and BRCA2-Associated Hereditary Breast and Ovarian Cancer; Hereditary breast and ovarian cancer; Hereditary breast and ovarian cancer syndrome. Identifiers: Orphanet 145, MedGen C0677776, MeSH D061325, MONDO:0003582. Disease mechanism: loss of function.
Bone osteosarcoma. Also called: Osteosarcoma, somatic. Identifiers: Orphanet 668, MedGen C0585442, MONDO:0002629, OMIM 259500.
Familial cancer of breast. Also called: hereditary breast carcinoma; BREAST CANCER, FAMILIAL; Hereditary breast cancer. Identifiers: Orphanet 227535, MedGen C0346153, MONDO:0016419, OMIM 114480. Disease mechanism: loss of function.
Malignant tumor of breast. Also called: Malignant breast neoplasm; Cancer breast. Identifiers: MedGen C0006142, MONDO:0007254. Disease mechanism: loss of function.

Allele frequency attached by ClinVar (database versions not stated): ESP Exome Variant Server 0.00008; TOPMed 0.00008; gnomAD 0.00009 and 0.00012; 1000 Genomes Project 30x 0.00016; 1000 Genomes Project 0.00020; ExAC 0.00025; gnomAD exomes 0.00028.
gnomAD v4.1: 319 of 1,613,724 alleles (0.02%); highest among the groups gnomAD compares: South Asian, 0.16%; 1 homozygote.

Submissions 1 to 13 of 16:

Labcorp Genetics (formerly Invitae), Labcorp
Classification: Likely benign for Familial cancer of breast. Last evaluated: 2026-02-02. Review status: criteria provided, single submitter. Criteria: Invitae Variant Classification Sherloc (09022015). Collection method: clinical testing. Allele origin: germline.

Center for Genomic Medicine, Rigshospitalet, Copenhagen University Hospital
Classification: Uncertain significance. Last evaluated: 2025-03-04. Review status: criteria provided, single submitter. Criteria: ACMG Guidelines, 2015. Collection method: clinical testing. Allele origin: germline.

Quest Diagnostics Nichols Institute San Juan Capistrano
Classification: Uncertain significance. Last evaluated: 2024-12-19. Review status: criteria provided, single submitter. Criteria: Quest Diagnostics criteria. Collection method: clinical testing. Allele origin: unknown.
Comment: The CHEK2 c.1217G>A (p.Arg406His) variant has been reported in individuals with breast and/or ovarian cancer (PMIDs: 18706089 (2008), 19656415 (2009), 25186627 (2015), 26898890 (2016), 26976419 (2016), 30303537 (2019), see also LOVD) and suspected of Lynch syndrome (PMID: 25980754 (2015)). This variant has also been identified in reportedly healthy individuals (PMID: 33471991 (2021), 31050813 (2019), see also LOVD). In addition, functional studies suggest that the variant protein has normal DNA damage repair activity (PMID: 30851065 (2019), Yilmaz et al (2014, DOI 10.4236/abb.2014.54046) and intermediate to normal kinase activity (PMID: 31050813 (2019)). The frequency of this variant in the general population, 0.0016 (50/30616 chromosomes in South Asian subpopulation), is higher than would generally be expected for pathogenic variants in this gene. Analysis of this variant using bioinformatics tools for the prediction of the effect of amino acid changes on protein structure and function yielded conflicting predictions that this variant is benign or damaging. Based on the available information, we are unable to determine the clinical significance of this variant.

Blueprint Genetics
Classification: Likely benign. Last evaluated: 2024-10-28. Review status: criteria provided, single submitter. Criteria: ACMG Guidelines, 2015. Collection method: clinical testing. Allele origin: germline.

Myriad Genetics, Inc.
Classification: Likely benign for Familial cancer of breast. Last evaluated: 2024-10-07. Review status: criteria provided, single submitter. Criteria: Myriad Autosomal Dominant, Autosomal Recessive and X-Linked Classification Criteria (2023). Collection method: clinical testing. Allele origin: unknown.
Comment: This variant is considered likely benign. This variant is strongly associated with less severe personal and family histories of cancer, typical for individuals without pathogenic variants in this gene [PMID: 25085752].

German Consortium for Hereditary Breast and Ovarian Cancer, University Hospital Cologne
Classification: Uncertain significance for Hereditary breast ovarian cancer syndrome. Last evaluated: 2024-08-13. Review status: criteria provided, single submitter. Criteria: ACMG Guidelines, 2015. Collection method: curation. Allele origin: germline.
Comment: According to the ACMG SVI adaptation criteria we chose these criteria: BP4 (supporting benign): REVEL 0.14, BS1 (strong benign): laut Canvig - => ATM-VCEP: FAF > 0,5%; South asians: 0,16% in gnomAD V2 und V4, 0,1% in gnomAD V3

Women's Health and Genetics/Laboratory Corporation of America, LabCorp
Classification: Likely benign. Last evaluated: 2024-01-02. Review status: criteria provided, single submitter. Criteria: LabCorp Variant Classification Summary - May 2015. Collection method: clinical testing. Allele origin: germline.
Comment: Variant summary: CHEK2 c.1217G>A (p.Arg406His) results in a non-conservative amino acid change located in the Protein kinase domain of the encoded protein sequence. Three of five in-silico tools predict a damaging effect of the variant on protein function. The variant allele was found at a frequency of 0.00028 in 250750 control chromosomes, predominantly at a frequency of 0.0016 within the South Asian subpopulation in the gnomAD database. The observed variant frequency within South Asian control individuals in the gnomAD database is approximately 5 fold of the estimated maximal expected allele frequency for a pathogenic variant in CHEK2 causing Hereditary Breast And Ovarian Cancer Syndrome phenotype (0.00031), however this data must be interpreted with caution as the sequencing techology utalized does not distinguish between this gene and highly homologous pseudogenes. c.1217G>A has been reported in the literature in individuals affected with breast cancer (examples- Soumitra_2009, Tung_2016, Girard_2019) and in an individual with Lynch Syndrome (Yurgelun_2015). These reports do not provide unequivocal conclusions about association of the variant with Hereditary Breast and Ovarian Cancer. At least two publications report experimental evidence evaluating an impact on CHEK2 function in yeast and find no damaging effects for the variant (Yilmaz_2014, Delimitsou_2019). The following publications have been ascertained in the context of this evaluation (PMID: 19656415, 25980754, 25186627, 26976419, 30851065, 30303537). Nine submitters have cited clinical-significance assessments for this variant to ClinVar after 2014 and classified as likely benign (n=5) and VUS (n=4). Based on the evidence outlined above, the variant was classified as likely benign.

CHEO Genetics Diagnostic Laboratory, Children's Hospital of Eastern Ontario
Classification: Likely benign for Breast and/or ovarian cancer. Last evaluated: 2023-01-17. Review status: criteria provided, single submitter. Criteria: ACMG Guidelines, 2015. Collection method: clinical testing. Allele origin: germline.

National Health Laboratory Service, Universitas Academic Hospital and University of the Free State
Classification: Uncertain significance for Hereditary breast ovarian cancer syndrome. Last evaluated: 2022-04-19. Review status: criteria provided, single submitter. Criteria: ACMG Guidelines, 2015. Collection method: clinical testing. Allele origin: germline. Affected: yes. Observed: 1 variant allele.

Sema4
Classification: Likely benign for Hereditary cancer-predisposing syndrome. Last evaluated: 2021-07-23. Review status: criteria provided, single submitter. Criteria: Sema4 Curation Guidelines. Collection method: curation. Allele origin: germline.

Cancer Genomics Group, Japanese Foundation For Cancer Research
Classification: Uncertain significance for Hereditary breast and ovarian cancer syndrome. Last evaluated: 2019-05-01. Review status: criteria provided, single submitter. Criteria: ACMG Guidelines, 2015. Collection method: research. Allele origin: germline. Affected: yes.

Ambry Genetics
Classification: Likely benign for Hereditary cancer-predisposing syndrome. Last evaluated: 2018-10-16. Review status: criteria provided, single submitter. Criteria: Ambry Variant Classification Scheme 2023. Collection method: clinical testing. Allele origin: germline.

GeneDx
Classification: Uncertain significance. Last evaluated: 2018-09-18. Review status: criteria provided, single submitter. Criteria: GeneDx Variant Classification (06012015). Collection method: clinical testing. Allele origin: germline. Affected: yes.
Comment: This variant is denoted CHEK2 c.1217G>A at the cDNA level, p.Arg406His (R406H) at the protein level, and results in the change of an Arginine to a Histidine (CGT>CAT). This variant was observed in several individuals with breast cancer (Novak 2008, Soumittra 2009, Caminsky 2016, Tung 2016) and in at least one individual with a personal history of a Lynch syndrome-associated cancer and/or polyps (Yurgelun 2015), but has also been observed in healthy controls (Novak 2008). In a yeast complementation assay, cells transformed with this variant demonstrated cell growth and survival comparable to wild type (Yilmaz 2014). Although this variant was observed in large population cohorts, data in this region of CHEK2 are not considered reliable due to high pseudogene homology (Lek 2016). CHEK2 Arg406His is located in the kinase domain (Cai 2009, Roeb 2012). In silico analysis, which includes protein predictors and evolutionary conservation, supports that this variant does not alter protein structure/function. Based on currently available evidence, it is unclear whether CHEK2 Arg406His is a pathogenic or benign variant. We consider it to be a variant of uncertain significance.

NM_007194.4(CHEK2):c.1217G>A (p.Arg406His)

Gene: CHEK2 (checkpoint kinase 2; minus strand). Cytogenetic location: 22q12.1.
Variant type: single nucleotide variant.
Coding change: c.1217G>A on transcript NM_007194.4 (MANE Select); coding-DNA position 1217, G replaced by A.
Protein change: p.Arg406His; replaces arginine 406 with histidine.
Molecular consequence: missense variant.
Genome position (GRCh38, 1-based): chr22:28,695,752, C>T on the plus strand (G>A on the coding strand, the complement: CHEK2 is on the minus strand). VCF-style: chr22-28695752-C-T. GRCh37 (hg19) VCF-style: chr22-29091740-C-T.
Other names: NP_009125.1:p.Arg406His; c.1346G>A, p.Arg449His (NM_001005735.3); c.554G>A, p.Arg185His (NM_001257387.3); c.1016G>A, p.Arg339His (NM_001349956.3); c.1130G>A, p.Arg377His (NM_145862.3); short protein forms R406H, R339H, R185H, R449H, R377H.
Identifiers: ClinVar variation 142760 (VCV000142760.35), dbSNP rs200649225, ClinGen allele CA169341.
Genomic context (GRCh38, chr22:28,695,752, plus strand): 5'-AATGAAAATATTTCTTACCAGATAAAAAGAATAACTCCTAAACTCCAGCAGTCCACAGCA[C>T]GGTTATACCCAGCAGTCCCAACAGAAACAAGAACTTCAGGCGCCAAGTAGGTGGGGGTTC-3'
Protein context (NP_009125.1, residues 396-416): LVSVGTAGYN[Arg406His]AVDCWSLGVI